The following is an entry in ClinVar:

ClinVar aggregate classification (germline): Likely pathogenic (1 of 4 stars; one submission).

Submission:

GeneDx
Classification: Likely pathogenic. Last evaluated: 2025-05-01. Review status: criteria provided, single submitter. Criteria: GeneDx Variant Classification Process June 2021. Collection method: clinical testing. Allele origin: germline.
Comment: In-frame deletion of 39 amino acid(s) and insertion of 1 different amino acid(s) in a non-repeat region; In silico analysis supports a deleterious effect on protein structure/function; Not observed at significant frequency in large population cohorts (gnomAD); Has not been previously published as pathogenic or benign to our knowledge

NM_002408.4(MGAT2):c.1182_1296delinsT (p.Gln394_Gly432delinsHis)

Gene: MGAT2 (alpha-1,6-mannosyl-glycoprotein 2-beta-N-acetylglucosaminyltransferase; plus strand). Cytogenetic location: 14q21.3.
Variant type: Indel.
Coding change: c.1182_1296delinsT on transcript NM_002408.4 (MANE Select); coding-DNA positions 1182 to 1296, the reference bases replaced by T.
Protein change: p.Gln394_Gly432delinsHis.
Molecular consequence: inframe indel.
Genome position (GRCh38, 1-based): chr14:49,622,450-49,622,564, 115 bases replaced. GRCh37 (hg19): chr14:50,089,168-50,089,282.
Identifiers: ClinVar variation 1698123 (VCV001698123.3), dbSNP rs2139567333, ClinGen allele CA2580088148.